The following is an entry in ClinVar:

ClinVar aggregate classification (germline): Likely benign. Review status: criteria provided, multiple submitters, no conflicts (2 of 4 stars). 2 submissions from 2 submitters: Likely benign (2). Last evaluated 2025-08-28.

Conditions:
SCP2-related disorder. Also called: SCP2-related condition.

Allele frequency attached by ClinVar (database versions not stated): gnomAD below 0.00001 and 0.00001; gnomAD exomes 0.00005 and 0.00008; ExAC 0.00009.
gnomAD v4.1: 70 of 1,598,536 alleles (0.0044%); highest among the groups gnomAD compares: South Asian, 0.077%; no homozygotes.

Submissions (2):

PreventionGenetics, part of Exact Sciences
Classification: Likely benign for SCP2-related condition. Last evaluated: 2025-08-28. Review status: criteria provided, single submitter. Criteria: ACMG Guidelines, 2015. Collection method: clinical testing. Allele origin: germline.
Comment: This variant is classified as likely benign based on ACMG/AMP sequence variant interpretation guidelines (Richards et al. 2015 PMID: 25741868, with internal and published modifications).

Labcorp Genetics (formerly Invitae), Labcorp
Classification: Likely benign. Last evaluated: 2024-11-11. Review status: criteria provided, single submitter. Criteria: Invitae Variant Classification Sherloc (09022015). Collection method: clinical testing. Allele origin: germline.

NM_002979.5(SCP2):c.1047A>C (p.Gly349=)

Gene: SCP2 (sterol carrier protein 2; plus strand). Cytogenetic location: 1p32.3.
Variant type: single nucleotide variant.
Coding change: c.1047A>C on transcript NM_002979.5 (MANE Select); coding-DNA position 1047, A replaced by C.
Protein change: p.Gly349=; no amino-acid change (glycine 349 retained).
Molecular consequence: synonymous variant.
Genome position (GRCh38, 1-based): chr1:52,988,102, A>C. VCF-style: chr1-52988102-A-C. GRCh37 (hg19) VCF-style: chr1-53453774-A-C.
Other names: c.915A>C, p.Gly305= (NM_001007098.3, NM_001193600.2); c.975A>C, p.Gly325= (NM_001193599.2); c.804A>C, p.Gly268= (NM_001193617.2); c.1047A>C, p.Gly349= (NM_001330587.2).
Identifiers: ClinVar variation 798642 (VCV000798642.9), dbSNP rs756499564, ClinGen allele CA857281.